The following is an entry in ClinVar:

NM_006949.4(STXBP2):c.1004A>G (p.Gln335Arg)

Gene: STXBP2 (syntaxin binding protein 2; plus strand). Cytogenetic location: 19p13.2.
Variant type: single nucleotide variant.
Coding change: c.1004A>G on transcript NM_006949.4 (MANE Select); coding-DNA position 1004, A replaced by G.
Protein change: p.Gln335Arg; replaces glutamine 335 with arginine.
Molecular consequence: missense variant. On other transcripts: non-coding transcript variant (1).
Genome position (GRCh38, 1-based): chr19:7,643,026, A>G. VCF-style: chr19-7643026-A-G. GRCh37 (hg19) VCF-style: chr19-7707912-A-G.
Other names: c.995A>G, p.Gln332Arg (NM_001127396.3); c.1037A>G, p.Gln346Arg (NM_001272034.2); c.908A>G, p.Gln303Arg (NM_001414484.1); short protein forms Q303R, Q332R, Q335R, Q346R.
Identifiers: ClinVar variation 2051417 (VCV002051417.1), dbSNP rs749761917, ClinGen allele CA9143924.

ClinVar aggregate classification (germline): Uncertain significance (1 of 4 stars; one submission).

Conditions:
Familial hemophagocytic lymphohistiocytosis 5. Also called: STXBP2-Related Familial Hemophagocytic Lymphohistiocytosis (STXBP2-fHLH). Identifiers: Orphanet 540, MedGen C2751293, MONDO:0013135, OMIM 613101.

Allele frequency attached by ClinVar (database versions not stated): gnomAD exomes below 0.00001; ExAC 0.00001.
gnomAD v4.1: 1 of 1,614,206 alleles (0.000062%); highest among the groups gnomAD compares: Non-Finnish European, 0.000085%; no homozygotes.

Submission:

Labcorp Genetics (formerly Invitae), Labcorp
Classification: Uncertain significance for Familial hemophagocytic lymphohistiocytosis 5. Last evaluated: 2021-12-21. Review status: criteria provided, single submitter. Criteria: Invitae Variant Classification Sherloc (09022015). Collection method: clinical testing. Allele origin: germline.
Comment: This sequence change replaces glutamine, which is neutral and polar, with arginine, which is basic and polar, at codon 335 of the STXBP2 protein (p.Gln335Arg). This variant is not present in population databases (gnomAD no frequency). This variant has not been reported in the literature in individuals affected with STXBP2-related conditions. Algorithms developed to predict the effect of missense changes on protein structure and function are either unavailable or do not agree on the potential impact of this missense change (SIFT: "Deleterious"; PolyPhen-2: "Probably Damaging"; Align-GVGD: "Class C0"). In summary, the available evidence is currently insufficient to determine the role of this variant in disease. Therefore, it has been classified as a Variant of Uncertain Significance.